The following is an entry in ClinVar:

ClinVar aggregate classification (germline): Pathogenic (1 of 4 stars; one submission).

Submission:

Labcorp Genetics (formerly Invitae), Labcorp
Classification: Pathogenic. Last evaluated: 2023-03-01. Review status: criteria provided, single submitter. Criteria: Invitae Variant Classification Sherloc (09022015). Collection method: clinical testing. Allele origin: unknown.
Comment: For these reasons, this variant has been classified as Pathogenic. This variant is a gross deletion of the genomic region encompassing exon(s) 16-24 of the COL4A4 gene. This variant would be expected to be in-frame, preserving the integrity of the reading frame. This variant has not been reported in the literature in individuals affected with COL4A4-related conditions. This variant disrupts a region of the COL4A4 protein in which other variant(s) (p.Gly408Glu) have been determined to be pathogenic (Invitae). This suggests that this is a clinically significant region of the protein, and that variants that disrupt it are likely to be disease-causing.

NC_000002.11:g.(?_227945139)_(227966645_?)del

Gene: COL4A4 (collagen type IV alpha 4 chain; minus strand). Cytogenetic location: 2q36.3.
Variant type: Deletion.
Identifiers: ClinVar variation 3247449 (VCV003247449.1).